The following is an entry in ClinVar:

ClinVar aggregate classification (germline): Pathogenic. Review status: criteria provided, multiple submitters, no conflicts (2 of 4 stars). 6 submissions from 6 submitters: Pathogenic (6). Last evaluated 2025-08-14.

Conditions:
Melanoma and neural system tumor syndrome. Also called: MELANOMA-ASTROCYTOMA SYNDROME. Identifiers: Orphanet 252206, MedGen C1835042, MONDO:0007967, OMIM 155755.
Melanoma-pancreatic cancer syndrome. Identifiers: Orphanet 404560, MedGen C1838547, MONDO:0011713, OMIM 606719. Disease mechanism: loss of function.
Familial melanoma. Also called: Hereditary melanoma; Hereditary cutaneous melanoma. Identifiers: Orphanet 618, MedGen C1512419, MONDO:0018961.
Hereditary cancer-predisposing syndrome. Also called: Hereditary neoplastic syndrome; Neoplastic Syndromes, Hereditary; Hereditary Cancer Syndrome; Tumor predisposition. Identifiers: Orphanet 140162, MedGen C0027672, MeSH D009386, MONDO:0015356.

Submissions (6):

Myriad Genetics, Inc.
Classification: Pathogenic for Melanoma-pancreatic cancer syndrome. Last evaluated: 2025-08-14. Review status: criteria provided, single submitter. Criteria: Myriad Autosomal Dominant, Autosomal Recessive and X-Linked Classification Criteria (2023). Collection method: clinical testing. Allele origin: unknown.
Comment: This variant is considered pathogenic. This variant creates a termination codon and is predicted to result in premature protein truncation.

Labcorp Genetics (formerly Invitae), Labcorp
Classification: Pathogenic for Familial melanoma. Last evaluated: 2025-01-13. Review status: criteria provided, single submitter. Criteria: Invitae Variant Classification Sherloc (09022015). Collection method: clinical testing. Allele origin: germline.
Comment: This sequence change creates a premature translational stop signal (p.Glu27*) in the CDKN2A (p16INK4a) gene. It is expected to result in an absent or disrupted protein product. Loss-of-function variants in CDKN2A (p16INK4a) are known to be pathogenic (PMID: 15146471, 16905682). This variant is not present in population databases (gnomAD no frequency). This premature translational stop signal has been observed in individual(s) with two primary melanomas and melanoma (PMID: 16893909, 17047042, 18023021, 27804060). It is commonly reported in individuals of Italian ancestry (PMID: 16893909, 17047042, 18023021, 27804060). ClinVar contains an entry for this variant (Variation ID: 463512). For these reasons, this variant has been classified as Pathogenic.

Ambry Genetics
Classification: Pathogenic for Hereditary cancer-predisposing syndrome. Last evaluated: 2024-09-05. Review status: criteria provided, single submitter. Criteria: Ambry Variant Classification Scheme 2023. Collection method: clinical testing. Allele origin: germline.
Comment: The p.E27* pathogenic mutation (also known as c.79G>T), located in coding exon 1 of the CDKN2A gene, results from a G to T substitution at nucleotide position 79. This changes the amino acid from a glutamic acid to a stop codon within coding exon 1. The predicted stop codon occurs in the 5&rsquo; end of the CDKN2A gene. Premature termination codons in the 5&rsquo; end of a gene have been reported to escape nonsense-mediated mRNA decay and/or lead to re-initiation (Rivas et al. Science. 2015 May 8;348(6235):666-9; Lindeboom et al. Nat Genet. 2016 Oct;48(10):1112-8; Rhee et al. Sci Rep. 2017 May 10;7(1):1653), however premature termination codons are typically deleterious in nature. This variant has been reported in familial melanoma kindreds and in apparently sporadic melanoma cases and is an Italian founder mutation (Ghiorzo P et al. Hum. Mol. Genet. 2006 Sep;15:2682-9). It has also been reported in patients with pancreatic cancer, including those from families with multiple cases of pancreatic cancer (Ghiorzo P et al. J. Med. Genet. 2012 Mar;49:164-70). This variant is considered to be rare based on population cohorts in the Genome Aggregation Database (gnomAD). Based on the supporting evidence, this variant is interpreted as a disease-causing mutation.

Baylor Genetics
Classification: Pathogenic for Melanoma and neural system tumor syndrome. Last evaluated: 2023-12-11. Review status: criteria provided, single submitter. Criteria: ACMG Guidelines, 2015. Collection method: clinical testing. Allele origin: unknown.

Color Diagnostics, LLC DBA Color Health
Classification: Pathogenic for Hereditary cancer-predisposing syndrome. Last evaluated: 2023-09-01. Review status: criteria provided, single submitter. Criteria: ACMG Guidelines, 2015. Collection method: clinical testing. Allele origin: germline.
Comment: This variant changes 1 nucleotide in exon 1 of the CDKN2A (p16INK4A) gene, creating a premature translation stop signal. This variant is expected to result in an absent or non-functional protein product. The variant has been shown to significantly reduce p16 protein levels (PMID: 16893909). This variant has been reported in numerous individuals affected with melanoma and pancreatic cancer (PMID: 16893909, 17047042, 18024887, 18023021, 22368299, 27804060, 35777164), and has been shown to segregate with disease in melanoma kindreds (PMID: 16893909). Haplotype analysis has indicated that this variant is an Italian founder mutation (PMID: 16893909). This variant has not been identified in the general population by the Genome Aggregation Database (gnomAD). Loss of CDKN2A function is a known mechanism of disease. Based on the available evidence, this variant is classified as Pathogenic.

GeneDx
Classification: Pathogenic. Last evaluated: 2015-10-27. Review status: criteria provided, single submitter. Criteria: GeneDx Variant Classification (06012015). Collection method: clinical testing. Allele origin: germline. Affected: yes.
Comment: This pathogenic variant is denoted CDKN2A c.79G>T at the cDNA level and p.Glu27Ter (E27X) at the protein level. The substitution creates a nonsense variant, which changes a Glutamic Acid to a premature stop codon (GAG>TAG), and is predicted to cause loss of normal protein function through either protein truncation or nonsense-mediated mRNA decay. This variant has been reported in association with melanoma and pancreatic cancer and was shown to result in significantly decreased p16 protein levels (Ghiorzo 2006, Ghiorzo 2012). We therefore consider this variant to be pathogenic.

Literature cited by the submitters: PubMed 15146471 (cited by Labcorp Genetics (formerly Invitae), Labcorp); PubMed 16905682 (cited by Labcorp Genetics (formerly Invitae), Labcorp); PubMed 16893909 (cited by 3 submitters); PubMed 17047042 (cited by Labcorp Genetics (formerly Invitae), Labcorp and Color Diagnostics, LLC DBA Color Health); PubMed 18023021 (cited by 3 submitters); PubMed 27804060 (cited by Labcorp Genetics (formerly Invitae), Labcorp and Color Diagnostics, LLC DBA Color Health); PubMed 22368299 (cited by Ambry Genetics and Color Diagnostics, LLC DBA Color Health); PubMed 18024887 (cited by Color Diagnostics, LLC DBA Color Health); PubMed 35777164 (cited by Color Diagnostics, LLC DBA Color Health).

NM_000077.5(CDKN2A):c.79G>T (p.Glu27Ter)

Gene: CDKN2A (cyclin dependent kinase inhibitor 2A; minus strand). Cytogenetic location: 9p21.3.
Variant type: single nucleotide variant.
Coding change: c.79G>T on transcript NM_000077.5; coding-DNA position 79, G replaced by T.
Protein change: p.Glu27Ter; replaces glutamic acid 27 with a stop codon.
Molecular consequence: nonsense (on NM_000077.6). On other transcripts: intron variant (2).
Genome position (GRCh38, 1-based): chr9:21,974,749, C>A on the plus strand (G>T on the coding strand, the complement: CDKN2A is on the minus strand). VCF-style: chr9-21974749-C-A. GRCh37 (hg19) VCF-style: chr9-21974748-C-A.
Other names: c.79G>T, p.Glu27Ter (NM_000077.6, NM_001195132.2, NM_058197.5); c.-3-3541G>T (NM_001363763.2); c.194-3541G>T (NM_058195.4); short protein forms E27*.
Identifiers: ClinVar variation 463512 (VCV000463512.21), dbSNP rs1554656411, ClinGen allele CA373086600.
Genomic context (GRCh38, chr9:21,974,749, plus strand): 5'-TCCGACCGTAACTATTCGGTGCGTTGGGCAGCGCCCCCGCCTCCAGCAGCGCCCGCACCT[C>A]CTCTACCCGACCCCGGGCCGCGGCCGTGGCCAGCCAGTCAGCCGAAGGCTCCATGCTGCT-3'